The following is an entry in ClinVar:

ClinVar aggregate classification (germline): Conflicting classifications of pathogenicity. Review status: criteria provided, conflicting classifications (1 of 4 stars). 5 submissions from 5 submitters: Uncertain significance (3); Likely benign (2). Last evaluated 2025-09-23.

Conditions:
CHD7-related disorder. Also called: CHD7-related condition.
CHARGE syndrome (CHARGE). Also called: Coloboma, heart anomaly, choanal atresia, retardation, genital and ear anomalies; CHARGE association; Hall-Hittner syndrome; Hittner Hirsch Kreh syndrome; CHARGE ASSOCIATION--COLOBOMA, HEART ANOMALY, CHOANAL ATRESIA, RETARDATION, GENITAL AND EAR ANOMALIES. Identifiers: Orphanet 138, MedGen C0265354, MONDO:0008965.
Inborn genetic diseases. Identifiers: MedGen C0950123, MeSH D030342.

Allele frequency attached by ClinVar (database versions not stated): TOPMed 0.00008.
gnomAD v4.1: 32 of 1,613,664 alleles (0.002%); highest among the groups gnomAD compares: Non-Finnish European, 0.0025%; no homozygotes.

Submissions (5):

PreventionGenetics, part of Exact Sciences
Classification: Uncertain significance for CHD7-related condition. Last evaluated: 2025-09-23. Review status: criteria provided, single submitter. Criteria: ACMG Guidelines, 2015. Collection method: clinical testing. Allele origin: germline.
Comment: The CHD7 c.1554G>C variant is predicted to result in the amino acid substitution p.Gln518His. To our knowledge, this variant has not been reported in the literature. This variant is reported in 0.0044% of alleles in individuals of European (Non-Finnish) descent in gnomAD. At this time, the clinical significance of this variant is uncertain due to the absence of conclusive functional and genetic evidence.

Ambry Genetics
Classification: Likely benign for Inborn genetic diseases. Last evaluated: 2025-09-11. Review status: criteria provided, single submitter. Criteria: Ambry Variant Classification Scheme 2023. Collection method: clinical testing. Allele origin: germline.

Labcorp Genetics (formerly Invitae), Labcorp
Classification: Uncertain significance for CHARGE syndrome. Last evaluated: 2025-05-14. Review status: criteria provided, single submitter. Criteria: Invitae Variant Classification Sherloc (09022015). Collection method: clinical testing. Allele origin: germline.
Comment: This sequence change replaces glutamine, which is neutral and polar, with histidine, which is basic and polar, at codon 518 of the CHD7 protein (p.Gln518His). This variant is present in population databases (rs369284507, gnomAD 0.004%). This variant has not been reported in the literature in individuals affected with CHD7-related conditions. ClinVar contains an entry for this variant (Variation ID: 662105). Invitae Evidence Modeling of protein sequence and biophysical properties (such as structural, functional, and spatial information, amino acid conservation, physicochemical variation, residue mobility, and thermodynamic stability) indicates that this missense variant is not expected to disrupt CHD7 protein function with a negative predictive value of 95%. In summary, the available evidence is currently insufficient to determine the role of this variant in disease. Therefore, it has been classified as a Variant of Uncertain Significance.

GeneDx
Classification: Likely benign. Last evaluated: 2025-01-16. Review status: criteria provided, single submitter. Criteria: GeneDx Variant Classification Process June 2021. Collection method: clinical testing. Allele origin: germline. Affected: yes.
Comment: See Variant Classification Assertion Criteria.

Mayo Clinic Laboratories, Mayo Clinic
Classification: Uncertain significance. Last evaluated: 2025-01-09. Review status: criteria provided, single submitter. Criteria: ACMG Guidelines, 2015. Collection method: clinical testing. Allele origin: germline. Observed: 1 variant allele.

NM_017780.4(CHD7):c.1554G>C (p.Gln518His)

Gene: CHD7 (chromodomain helicase DNA binding protein 7; plus strand). Cytogenetic location: 8q12.2.
Variant type: single nucleotide variant.
Coding change: c.1554G>C on transcript NM_017780.4 (MANE Select); coding-DNA position 1554, G replaced by C.
Protein change: p.Gln518His; replaces glutamine 518 with histidine.
Molecular consequence: missense variant.
Genome position (GRCh38, 1-based): chr8:60,742,986, G>C. VCF-style: chr8-60742986-G-C. GRCh37 (hg19) VCF-style: chr8-61655545-G-C.
Other names: p.Gln518His; c.1554G>C, p.Gln518His (NM_001316690.1); c.1554G>C (NM_017780.2); short protein forms Q518H.
Identifiers: ClinVar variation 662105 (VCV000662105.12), dbSNP rs369284507, ClinGen allele CA4759512.